The following is an entry in ClinVar:

ClinVar aggregate classification (germline): Benign/Likely benign. Review status: criteria provided, multiple submitters, no conflicts (2 of 4 stars). 3 submissions from 3 submitters: Benign (1); Likely benign (2). Last evaluated 2026-02-04.

Allele frequency attached by ClinVar (database versions not stated): 1000 Genomes Project 30x 0.00312; 1000 Genomes Project 0.00319; gnomAD 0.00408 and 0.00413; ESP Exome Variant Server 0.00454; TOPMed 0.00455; ExAC 0.00470; gnomAD exomes 0.00479 and 0.00711.

Submissions (3):

Labcorp Genetics (formerly Invitae), Labcorp
Classification: Benign. Last evaluated: 2026-02-04. Review status: criteria provided, single submitter. Criteria: Invitae Variant Classification Sherloc (09022015). Collection method: clinical testing. Allele origin: germline.

Mayo Clinic Laboratories, Mayo Clinic
Classification: Likely benign. Last evaluated: 2025-08-06. Review status: criteria provided, single submitter. Criteria: ACMG Guidelines, 2015. Collection method: clinical testing. Allele origin: germline. Observed: 4 variant alleles.
Comment: BP4, BP7

GeneDx
Classification: Likely benign. Last evaluated: 2020-11-03. Review status: criteria provided, single submitter. Criteria: GeneDx Variant Classification Process June 2021. Collection method: clinical testing. Allele origin: germline. Affected: yes.

NM_000780.4(CYP7A1):c.1039+11T>C

Gene: CYP7A1 (cytochrome P450 family 7 subfamily A member 1; minus strand). Cytogenetic location: 8q12.1.
Variant type: single nucleotide variant.
Coding change: c.1039+11T>C on transcript NM_000780.4 (MANE Select); 11 bases into the intron after coding-DNA position 1039, T replaced by C.
Molecular consequence: intron variant.
Genome position (GRCh38, 1-based): chr8:58,494,495, A>G on the plus strand (T>C on the coding strand, the complement: CYP7A1 is on the minus strand). VCF-style: chr8-58494495-A-G. GRCh37 (hg19) VCF-style: chr8-59407054-A-G.
Other names: p.?.
Identifiers: ClinVar variation 1318430 (VCV001318430.10), dbSNP rs180695354, ClinGen allele CA4756678.
Genomic context (GRCh38, chr8:58,494,495, plus strand): 5'-ATTTATGTTGGTCATTATTGTTAAAGTAGTAGGACATAGAAAATGAAACTCAACATAACA[A>G]GTATACCCACCTAATACTGGCAGGTCATTCAGTTCTGCTTGACTCAAACAAATAGGATTG-3'